The following is an entry in ClinVar:

NM_000400.4(ERCC2):c.893C>A (p.Ala298Asp)

Gene: ERCC2 (ERCC excision repair 2, TFIIH core complex helicase subunit; minus strand). Cytogenetic location: 19q13.32.
Variant type: single nucleotide variant.
Coding change: c.893C>A on transcript NM_000400.4 (MANE Select); coding-DNA position 893, C replaced by A.
Protein change: p.Ala298Asp; replaces alanine 298 with aspartic acid.
Molecular consequence: missense variant.
Genome position (GRCh38, 1-based): chr19:45,364,042, G>T on the plus strand (C>A on the coding strand, the complement: ERCC2 is on the minus strand). VCF-style: chr19-45364042-G-T. GRCh37 (hg19) VCF-style: chr19-45867300-G-T.
Other names: c.821C>A, p.Ala274Asp (NM_001130867.2); short protein forms A274D, A298D.
Identifiers: ClinVar variation 3509841 (VCV003509841.1).

ClinVar aggregate classification (germline): Uncertain significance (1 of 4 stars; one submission).

Conditions:
Inborn genetic diseases. Identifiers: MedGen C0950123, MeSH D030342.

Submission:

Ambry Genetics
Classification: Uncertain significance for Inborn genetic diseases. Last evaluated: 2024-08-12. Review status: criteria provided, single submitter. Criteria: Ambry Variant Classification Scheme 2023. Collection method: clinical testing. Allele origin: germline.
Comment: The p.A298D variant (also known as c.893C>A), located in coding exon 10 of the ERCC2 gene, results from a C to A substitution at nucleotide position 893. The alanine at codon 298 is replaced by aspartic acid, an amino acid with dissimilar properties. This amino acid position is conserved. In addition, this alteration is predicted to be deleterious by in silico analysis. Based on the available evidence, the clinical significance of this variant remains unclear.